The following is an entry in ClinVar:

NC_000017.10:g.(?_3543501)_(3543581_?)del

Gene: CTNS (cystinosin, lysosomal cystine transporter; plus strand). Cytogenetic location: 17p13.2.
Variant type: Deletion.
Identifiers: ClinVar variation 2425239 (VCV002425239.4).

ClinVar aggregate classification (germline): Pathogenic (1 of 4 stars; one submission).

Conditions:
Inborn genetic diseases. Identifiers: MedGen C0950123, MeSH D030342.
Juvenile nephropathic cystinosis. Also called: Intermediate Cystinosis; CYSTINOSIS, LATE-ONSET JUVENILE OR ADOLESCENT NEPHROPATHIC TYPE; Later-Onset (Juvenile) Cystinosis. Identifiers: Orphanet 213, Orphanet 411634, MedGen C0268626, MONDO:0009066, OMIM 219900.
Ocular cystinosis. Also called: Non-Nephropathic Cystinosis; Non-Nephropathic (Ocular) Cystinosis. Identifiers: Orphanet 213, Orphanet 411641, MedGen C2931013, MONDO:0009064, OMIM 219750.

Submission:

Labcorp Genetics (formerly Invitae), Labcorp
Classification: Pathogenic for Inborn genetic diseases; Ocular cystinosis; Juvenile nephropathic cystinosis. Last evaluated: 2021-11-18. Review status: criteria provided, single submitter. Criteria: Invitae Variant Classification Sherloc (09022015). Collection method: clinical testing. Allele origin: germline.
Comment: For these reasons, this variant has been classified as Pathogenic. This variant has not been reported in the literature in individuals affected with CTNS-related conditions. This variant is a gross deletion of the genomic region encompassing exon(s) 3 of the CTNS gene, which includes the initiator codon. This deletion extends beyond the assayed region for this gene and therefore may encompass additional genes. It is expected to result in an absent or disrupted protein product. Loss-of-function variants in CTNS are known to be pathogenic (PMID: 9537412, 27102039).

Literature cited by the submitters: PubMed 9537412; PubMed 27102039.